The following is an entry in ClinVar:

NM_018089.3(ANKZF1):c.177_180del (p.Arg59fs)

Gene: ANKZF1 (ankyrin repeat and zinc finger peptidyl tRNA hydrolase 1; plus strand). Cytogenetic location: 2q35.
Variant type: Microsatellite.
Coding change: c.177_180del on transcript NM_018089.3 (MANE Select); coding-DNA positions 177 to 180, 4 bases deleted (AAAG; older notation c.177_180delAAAG).
Protein change: p.Arg59fs; shifts the reading frame from arginine 59.
Molecular consequence: frameshift variant. On other transcripts: intron variant (1).
Genome position (GRCh38, 1-based): chr2:219,231,956-219,231,959, AAAG deleted; deleting any 4 consecutive bases within chr2:219,231,950-219,231,959 gives the same sequence; the c. name uses the placement nearest the transcript's 3' end. VCF-style (leftmost placement, unchanged base first): chr2-219231949-CAGAA-C. GRCh37 (hg19) VCF-style: chr2-220096671-CAGAA-C.
Other names: c.177_180del, p.Arg59fs (NM_001042410.2); c.-266-534_-266-531del (NM_001282792.2); short protein forms R59fs.
Identifiers: ClinVar variation 1935899 (VCV001935899.5), dbSNP rs1951050255, ClinGen allele CA1329122224.
Genomic context (GRCh38, chr2:219,231,949, plus strand): 5'-GGCTCCCTTTCTATGTCCAATTCCTCTTCCCTTATTTAGGCTCAGGGGAGAGAGAAAGCC[CAGAA>C]AGAAAGCTACTCCAGGGTCCTATGGATATTTCAGAGAAGTTATTTTGTTCAACTTGTGAC-3'

ClinVar aggregate classification (germline): Uncertain significance (1 of 4 stars; one submission).

Submission:

Labcorp Genetics (formerly Invitae), Labcorp
Classification: Uncertain significance. Last evaluated: 2022-08-05. Review status: criteria provided, single submitter. Criteria: Invitae Variant Classification Sherloc (09022015). Collection method: clinical testing. Allele origin: germline.
Comment: This sequence change creates a premature translational stop signal (p.Arg59Serfs*41) in the ANKZF1 gene. It is expected to result in an absent or disrupted protein product. However, the current clinical and genetic evidence is not sufficient to establish whether loss-of-function variants in ANKZF1 cause disease. In summary, the available evidence is currently insufficient to determine the role of this variant in disease. Therefore, it has been classified as a Variant of Uncertain Significance. This variant has not been reported in the literature in individuals affected with ANKZF1-related conditions. This variant is not present in population databases (gnomAD no frequency).